The following is an entry in ClinVar:

NM_001114753.3(ENG):c.328C>T (p.Gln110Ter)

Gene: ENG (endoglin; minus strand). Cytogenetic location: 9q34.11.
Variant type: single nucleotide variant.
Coding change: c.328C>T on transcript NM_001114753.3 (MANE Select); coding-DNA position 328, C replaced by T.
Protein change: p.Gln110Ter; replaces glutamine 110 with a stop codon.
Molecular consequence: nonsense. On other transcripts: 5 prime UTR variant (1).
Genome position (GRCh38, 1-based): chr9:127,829,719, G>A on the plus strand (C>T on the coding strand, the complement: ENG is on the minus strand). VCF-style: chr9-127829719-G-A. GRCh37 (hg19) VCF-style: chr9-130591998-G-A.
Other names: c.328C>T, p.Gln110Ter (NM_000118.4, NM_001406715.1); c.-219C>T (NM_001278138.2); short protein forms Q110*.
Identifiers: ClinVar variation 983202 (VCV000983202.10), dbSNP rs1830713927, ClinGen allele CA374985820.
Genomic context (GRCh38, chr9:127,829,719, plus strand): 5'-AGCCTGGGGTTGGAGGGAACACACTCACGTAGGCCAAGTGCAGTGGGATTCCCAGGGCCT[G>A]GAGATGCAGGAAGACACTGCTGTTTACACTGAGGACCAGAAGCACCTCTCGGGGCCAGGT-3'

ClinVar aggregate classification (germline): Pathogenic. Review status: criteria provided, multiple submitters, no conflicts (2 of 4 stars). 2 submissions from 2 submitters: Pathogenic (2). Last evaluated 2021-02-12.

Conditions:
Telangiectasia, hereditary hemorrhagic, type 1 (HHT1). Also called: Osler Weber Rendu syndrome type 1; ENG-Related Hereditary Hemorrhagic Telangiectasia. Identifiers: Orphanet 774, MedGen C4551861, MONDO:0008535, OMIM 187300. Disease mechanism: loss of function.
Hereditary hemorrhagic telangiectasia (HHT). Also called: Osler hemorrhagic telangiectasia syndrome; ORW DISEASE; Osler Weber Rendu syndrome; OSLER-RENDU-WEBER DISEASE. Identifiers: Orphanet 774, MedGen C0039445, MONDO:0019180. Disease mechanism: loss of function.

Submissions (2):

Labcorp Genetics (formerly Invitae), Labcorp
Classification: Pathogenic for Hereditary hemorrhagic telangiectasia. Last evaluated: 2021-02-12. Review status: criteria provided, single submitter. Criteria: Invitae Variant Classification Sherloc (09022015). Collection method: clinical testing. Allele origin: germline.
Comment: For these reasons, this variant has been classified as Pathogenic. This variant has been observed in individual(s) with clinical features of hereditary hemorrhagic telangiectasia (PMID: 25970827, 32573726). ClinVar contains an entry for this variant (Variation ID: 983202). This variant is not present in population databases (ExAC no frequency). This sequence change creates a premature translational stop signal (p.Gln110*) in the ENG gene. It is expected to result in an absent or disrupted protein product. Loss-of-function variants in ENG are known to be pathogenic (PMID: 15879500).

NIHR Bioresource Rare Diseases, University of Cambridge
Classification: Pathogenic for Telangiectasia, hereditary hemorrhagic, type 1. Last evaluated: 2018-01-01. Review status: criteria provided, single submitter. Criteria: ACMG Guidelines, 2015. Collection method: research. Allele origin: unknown. Affected: yes. Observed: 1 variant allele.
Comment: PVS1+PM2+PP4

Literature cited by the submitters: PubMed 25970827 (cited by Labcorp Genetics (formerly Invitae), Labcorp); PubMed 32573726 (cited by Labcorp Genetics (formerly Invitae), Labcorp and NIHR Bioresource Rare Diseases, University of Cambridge); PubMed 15879500 (cited by Labcorp Genetics (formerly Invitae), Labcorp).